The following is an entry in ClinVar:

NM_001267550.2(TTN):c.2592G>A (p.Val864=)

Gene: TTN (titin; minus strand). Cytogenetic location: 2q31.2.
Variant type: single nucleotide variant.
Coding change: c.2592G>A on transcript NM_001267550.2 (MANE Select); coding-DNA position 2592, G replaced by A.
Protein change: p.Val864=; no amino-acid change (valine 864 retained).
Molecular consequence: synonymous variant.
Genome position (GRCh38, 1-based): chr2:178,784,253, C>T on the plus strand (G>A on the coding strand, the complement: TTN is on the minus strand). VCF-style: chr2-178784253-C-T. GRCh37 (hg19) VCF-style: chr2-179648980-C-T.
Other names: c.2592G>A, p.Val864= (NM_001256850.1, NM_133378.4, NM_133379.5); c.2454G>A, p.Val818= (NM_003319.4, NM_133432.3, NM_133437.4).
Identifiers: ClinVar variation 4849067 (VCV004849067.1).

ClinVar aggregate classification (germline): Likely benign (1 of 4 stars; one submission).

Submission:

Women's Health and Genetics/Laboratory Corporation of America, LabCorp
Classification: Likely benign. Last evaluated: 2026-04-30. Review status: criteria provided, single submitter. Criteria: LabCorp Variant Classification Summary - May 2015. Collection method: clinical testing. Allele origin: germline.
Comment: Variant summary: TTN c.2592G>A alters a conserved nucleotide resulting in a synonymous change. Consensus agreement among computation tools predict no significant impact on normal splicing. However, these predictions have yet to be confirmed by functional studies. The variant was absent in 251162 control chromosomes. The available data on variant occurrences in the general population are insufficient to allow any conclusion about variant significance. To our knowledge, no occurrence of c.2592G>A in individuals affected with TTN-related conditions and no experimental evidence demonstrating its impact on protein function have been reported. No submitters have cited clinical-significance assessments for this variant to ClinVar. Based on the evidence outlined above, the variant was classified as likely benign.